The following is an entry in ClinVar:

ClinVar aggregate classification (germline): Pathogenic (1 of 4 stars; one submission).

Conditions:
DICER1-related tumor predisposition. Also called: DICER1-related pleuropulmonary blastoma cancer predisposition syndrome; DICER1 syndrome. Identifiers: Orphanet 284343, MedGen C3839822, MONDO:0100216.

Submission:

Labcorp Genetics (formerly Invitae), Labcorp
Classification: Pathogenic for DICER1-related tumor predisposition. Last evaluated: 2020-06-17. Review status: criteria provided, single submitter. Criteria: Invitae Variant Classification Sherloc (09022015). Collection method: clinical testing. Allele origin: germline.
Comment: This sequence change results in a premature translational stop signal in the DICER1 gene (p.Ser1823Valfs*34). While this is not anticipated to result in nonsense mediated decay, it is expected to disrupt the last 100 amino acids of the DICER1 protein. This variant is not present in population databases (ExAC no frequency). ClinVar contains an entry for this variant (Variation ID: 862236). This variant disrupts the entire double strand RNA binding domain (dsRBD) of the DICER1 protein, which has been shown to affect enzyme activity, substrate RNA binding, and nuclear localization of the DICER1 protein (PMID: 23882114,15242644, 18508075, 23272173). While functional studies have not been performed to directly test the effect of this variant on DICER1 protein function, this suggests that disruption of this region of the protein is causative of disease. For these reasons, this variant has been classified as Pathogenic.

Literature cited by the submitters: PubMed 23882114; PubMed 15242644; PubMed 18508075; PubMed 23272173.

NM_177438.3(DICER1):c.5467_5474del (p.Ser1823fs)

Gene: DICER1 (dicer 1, ribonuclease III; minus strand). Cytogenetic location: 14q32.13.
Variant type: Deletion.
Coding change: c.5467_5474del on transcript NM_177438.3 (MANE Select); coding-DNA positions 5467 to 5474, 8 bases deleted (AGTGGGAT; older notation c.5467_5474delAGTGGGAT).
Protein change: p.Ser1823fs; shifts the reading frame from serine 1823.
Molecular consequence: frameshift variant. On other transcripts: intron variant (1).
Genome position (GRCh38, 1-based): chr14:95,091,256-95,091,263, ATCCCACT deleted on the plus strand (AGTGGGAT on the coding strand, the reverse complement: DICER1 is on the minus strand); deleting any 8 consecutive bases within chr14:95,091,256-95,091,267 gives the same sequence; the c. name uses the placement nearest the transcript's 3' end. VCF-style (leftmost placement, unchanged base first): chr14-95091255-CATCCCACT-C. GRCh37 (hg19) VCF-style: chr14-95557592-CATCCCACT-C.
Other names: c.5467_5474del, p.Ser1823fs (NM_001271282.3, NM_001291628.2, NM_030621.4); c.5365-154_5365-147del (NM_001195573.1); short protein forms S1823fs.
Identifiers: ClinVar variation 862236 (VCV000862236.9), dbSNP rs1889798515, ClinGen allele CA916081722.